The following is an entry in ClinVar:

NM_005188.4(CBL):c.698A>G (p.Asn233Ser)

Gene: CBL (Cbl proto-oncogene; plus strand). Cytogenetic location: 11q23.3.
Variant type: single nucleotide variant.
Coding change: c.698A>G on transcript NM_005188.4 (MANE Select); coding-DNA position 698, A replaced by G.
Protein change: p.Asn233Ser; replaces asparagine 233 with serine.
Molecular consequence: missense variant.
Genome position (GRCh38, 1-based): chr11:119,273,975, A>G. VCF-style: chr11-119273975-A-G. GRCh37 (hg19) VCF-style: chr11-119144685-A-G.
Other names: p.N233S:AAT>AGT; short protein forms N233S.
Identifiers: ClinVar variation 40402 (VCV000040402.11), dbSNP rs143276937, ClinGen allele CA282015.

ClinVar aggregate classification (germline): Uncertain significance. Review status: criteria provided, multiple submitters, no conflicts (2 of 4 stars). 4 submissions from 4 submitters: Uncertain significance (4). Last evaluated 2026-01-27.

Conditions:
Cardiovascular phenotype. Identifiers: MedGen CN230736.
RASopathy. Also called: rasopathies; Noonan spectrum disorder. Identifiers: Orphanet 536391, MedGen C5555857, MONDO:0021060.

Allele frequency attached by ClinVar (database versions not stated): gnomAD exomes 0.00001; gnomAD 0.00002 and 0.00001; TOPMed 0.00002; ESP Exome Variant Server 0.00015; ExAC 0.00001.
gnomAD v4.1: 10 of 1,613,908 alleles (0.00062%); highest among the groups gnomAD compares: Non-Finnish European, 0.00068%; no homozygotes.

Submissions (4):

Labcorp Genetics (formerly Invitae), Labcorp
Classification: Uncertain significance for RASopathy. Last evaluated: 2026-01-27. Review status: criteria provided, single submitter. Criteria: Invitae Variant Classification Sherloc (09022015). Collection method: clinical testing. Allele origin: germline.
Comment: This sequence change replaces asparagine, which is neutral and polar, with serine, which is neutral and polar, at codon 233 of the CBL protein (p.Asn233Ser). This variant is present in population databases (rs143276937, gnomAD 0.004%). This variant has not been reported in the literature in individuals affected with CBL-related conditions. ClinVar contains an entry for this variant (Variation ID: 40402). Invitae Evidence Modeling of protein sequence and biophysical properties (such as structural, functional, and spatial information, amino acid conservation, physicochemical variation, residue mobility, and thermodynamic stability) indicates that this missense variant is not expected to disrupt CBL protein function with a negative predictive value of 95%. In summary, the available evidence is currently insufficient to determine the role of this variant in disease. Therefore, it has been classified as a Variant of Uncertain Significance.

Ambry Genetics
Classification: Uncertain significance for Cardiovascular phenotype. Last evaluated: 2024-12-22. Review status: criteria provided, single submitter. Criteria: Ambry Variant Classification Scheme 2023. Collection method: clinical testing. Allele origin: germline.

Genetic Services Laboratory, University of Chicago
Classification: Uncertain significance. Last evaluated: 2021-06-11. Review status: criteria provided, single submitter. Criteria: ACMG Guidelines, 2015. Collection method: clinical testing. Allele origin: germline. Affected: no.
Comment: DNA sequence analysis of the CBL gene demonstrated a sequence change, c.698A>G, in exon 4 that results in an amino acid change, p.Asn233Ser. This sequence change has been described in the gnomAD database with a frequency of 0.004% in the European (non-Finnish) subpopulation (dbSNP rs143276937). The p.Asn233Ser change affects a highly conserved amino acid residue located in a domain of the CBL protein that is known to be functional. The p.Asn233Ser substitution appears to be deleterious using several in-silico pathogenicity prediction tools (SIFT, PolyPhen2, Align GVGD, REVEL). This sequence change does not appear to have been previously described in individuals with CBL-related disorders. Due to insufficient evidences and the lack of functional studies, the clinical significance of the p.Asn233Ser change remains unknown at this time.

GeneDx
Classification: Uncertain significance. Last evaluated: 2012-08-28. Review status: criteria provided, single submitter. Criteria: GeneDx Variant Classification (06012015). Collection method: clinical testing. Allele origin: germline. Affected: yes.
Comment: This variant is denoted as p.Asn233Ser at the protein level, c.698 A>G at the cDNA level, and results in the change of an Asparagine for a Serine (AAT>AGT) in exon 4 of the CBL gene (NM_005188.2). The N233S missense change in the CBL gene has not been reported as a disease-causing mutation or as a benign polymorphism to our knowledge. The N233S amino acid substitution is conservative as Asparagine and Serine are both neutral and polar residues. The residue at which this substitution occurs is highly conserved in the protein but not in related proteins. The N233S missense change occurs in the tyrosine kinase binding domain of CBL, however no missense mutations have been reported at nearby codons. Therefore, the N233S missense change in the CBL gene is interpreted to be a variant of unknown significance. The variant is found in NOONAN panel(s).